The following is an entry in ClinVar:

ClinVar aggregate classification (germline): Benign (0 of 4 stars; one submission).

Conditions:
JPH3-related disorder. Also called: JPH3-related condition.

Allele frequency attached by ClinVar (database versions not stated): ESP Exome Variant Server 0.17636; 1000 Genomes Project 30x 0.18114; TOPMed 0.18261; 1000 Genomes Project 0.18590; gnomAD 0.18883; ExAC 0.22076.
gnomAD v4.1: 359,524 of 1,612,710 alleles (22%); highest among the groups gnomAD compares: East Asian, 37%; 42,301 homozygotes.

Submissions (11):

PreventionGenetics, part of Exact Sciences
Classification: Benign for JPH3-related condition. Last evaluated: 2019-10-21. Review status: no assertion criteria provided. Collection method: clinical testing. Allele origin: germline.
Comment: This variant is classified as benign based on ACMG/AMP sequence variant interpretation guidelines (Richards et al. 2015 PMID: 25741868, with internal and published modifications).

Dr. Peter K. Rogan Lab, Western University
No classification provided (evidence only). Condition: Malignant lymphoma, large B-cell, diffuse. Review status: no classification provided. Collection method: in vitro. Allele origin: not applicable. Functional consequence: retained intron. Not counted in ClinVar's aggregate classification.

Dr. Peter K. Rogan Lab, Western University
No classification provided (evidence only). Condition: Malignant lymphoma, large B-cell, diffuse. Review status: no classification provided. Collection method: in vitro. Allele origin: not applicable. Functional consequence: retained intron. Not counted in ClinVar's aggregate classification.

Dr. Peter K. Rogan Lab, Western University
No classification provided (evidence only). Condition: Malignant lymphoma, large B-cell, diffuse. Review status: no classification provided. Collection method: in vitro. Allele origin: not applicable. Functional consequence: retained intron. Not counted in ClinVar's aggregate classification.

Dr. Peter K. Rogan Lab, Western University
No classification provided (evidence only). Condition: Malignant lymphoma, large B-cell, diffuse. Review status: no classification provided. Collection method: in vitro. Allele origin: not applicable. Functional consequence: retained intron. Not counted in ClinVar's aggregate classification.

Dr. Peter K. Rogan Lab, Western University
No classification provided (evidence only). Condition: Malignant lymphoma, large B-cell, diffuse. Review status: no classification provided. Collection method: in vitro. Allele origin: not applicable. Functional consequence: retained intron. Not counted in ClinVar's aggregate classification.

Dr. Peter K. Rogan Lab, Western University
No classification provided (evidence only). Condition: Uterine carcinosarcoma. Review status: no classification provided. Collection method: in vitro. Allele origin: not applicable. Functional consequence: retained intron. Not counted in ClinVar's aggregate classification.

Dr. Peter K. Rogan Lab, Western University
No classification provided (evidence only). Condition: Uterine carcinosarcoma. Review status: no classification provided. Collection method: in vitro. Allele origin: not applicable. Functional consequence: retained intron. Not counted in ClinVar's aggregate classification.

Dr. Peter K. Rogan Lab, Western University
No classification provided (evidence only). Condition: Uterine carcinosarcoma. Review status: no classification provided. Collection method: in vitro. Allele origin: not applicable. Functional consequence: retained intron. Not counted in ClinVar's aggregate classification.

Dr. Peter K. Rogan Lab, Western University
No classification provided (evidence only). Condition: Uterine carcinosarcoma. Review status: no classification provided. Collection method: in vitro. Allele origin: not applicable. Functional consequence: retained intron. Not counted in ClinVar's aggregate classification.

Dr. Peter K. Rogan Lab, Western University
No classification provided (evidence only). Condition: Uterine carcinosarcoma. Review status: no classification provided. Collection method: in vitro. Allele origin: not applicable. Functional consequence: retained intron. Not counted in ClinVar's aggregate classification.

NM_020655.4(JPH3):c.684G>A (p.Ser228=)

Gene: JPH3 (junctophilin 3; plus strand). Cytogenetic location: 16q24.2.
Variant type: single nucleotide variant.
Coding change: c.684G>A on transcript NM_020655.4 (MANE Select); coding-DNA position 684, G replaced by A.
Protein change: p.Ser228=; no amino-acid change (serine 228 retained).
Molecular consequence: synonymous variant. On other transcripts: non-coding transcript variant (1).
Genome position (GRCh38, 1-based): chr16:87,644,559, G>A. VCF-style: chr16-87644559-G-A. GRCh37 (hg19) VCF-style: chr16-87678165-G-A.
Other names: NC_000016.9:g.87678165G>A.
Identifiers: ClinVar variation 3059953 (VCV003059953.3), dbSNP rs3751725, ClinGen allele CA8220810.